The following is an entry in ClinVar:

NM_004621.6(TRPC6):c.2463A>T (p.Lys821Asn)

Gene: TRPC6 (transient receptor potential cation channel subfamily C member 6; minus strand). Cytogenetic location: 11q22.1.
Variant type: single nucleotide variant.
Coding change: c.2463A>T on transcript NM_004621.6 (MANE Select); coding-DNA position 2463, A replaced by T.
Protein change: p.Lys821Asn; replaces lysine 821 with asparagine.
Molecular consequence: missense variant.
Genome position (GRCh38, 1-based): chr11:101,469,448, T>A on the plus strand (A>T on the coding strand, the complement: TRPC6 is on the minus strand). VCF-style: chr11-101469448-T-A. GRCh37 (hg19) VCF-style: chr11-101340179-T-A.
Other names: short protein forms K821N.
Identifiers: ClinVar variation 844537 (VCV000844537.13), dbSNP rs199948731, ClinGen allele CA227507778.

ClinVar aggregate classification (germline): Uncertain significance. Review status: criteria provided, multiple submitters, no conflicts (2 of 4 stars). 3 submissions from 3 submitters: Uncertain significance (3). Last evaluated 2024-10-31.

Conditions:
Focal segmental glomerulosclerosis 2 (FSGS2). Identifiers: Orphanet 656, MedGen C1858915, MONDO:0011390, OMIM 603965.

Allele frequency attached by ClinVar (database versions not stated): TOPMed 0.00001.
gnomAD v4.1: 7 of 773,154 alleles (0.00091%); highest among the groups gnomAD compares: Non-Finnish European, 0.0017%; no homozygotes.

Submissions (3):

Women's Health and Genetics/Laboratory Corporation of America, LabCorp
Classification: Uncertain significance. Last evaluated: 2024-10-31. Review status: criteria provided, single submitter. Criteria: LabCorp Variant Classification Summary - May 2015. Collection method: clinical testing. Allele origin: germline.
Comment: Variant summary: TRPC6 c.2463A>T (p.Lys821Asn) results in a non-conservative amino acid change in the encoded protein sequence. Four of five in-silico tools predict a benign effect of the variant on protein function. The variant allele was found at a frequency of 8.4e-06 in 238162 control chromosomes. The available data on variant occurrences in the general population are insufficient to allow any conclusion about variant significance. To our knowledge, no occurrence of c.2463A>T in individuals affected with Focal Segmental Glomerulosclerosis 2 and no experimental evidence demonstrating its impact on protein function have been reported. ClinVar contains an entry for this variant (Variation ID: 844537). Based on the evidence outlined above, the variant was classified as uncertain significance.

Fulgent Genetics
Classification: Uncertain significance for Focal segmental glomerulosclerosis 2. Last evaluated: 2024-02-20. Review status: criteria provided, single submitter. Criteria: ACMG Guidelines, 2015. Collection method: clinical testing. Allele origin: germline.

Labcorp Genetics (formerly Invitae), Labcorp
Classification: Uncertain significance. Last evaluated: 2022-07-18. Review status: criteria provided, single submitter. Criteria: Invitae Variant Classification Sherloc (09022015). Collection method: clinical testing. Allele origin: germline.
Comment: In summary, the available evidence is currently insufficient to determine the role of this variant in disease. Therefore, it has been classified as a Variant of Uncertain Significance. Algorithms developed to predict the effect of missense changes on protein structure and function (SIFT, PolyPhen-2, Align-GVGD) all suggest that this variant is likely to be tolerated. ClinVar contains an entry for this variant (Variation ID: 844537). This variant has not been reported in the literature in individuals affected with TRPC6-related conditions. This variant is present in population databases (rs199948731, gnomAD 0.003%). This sequence change replaces lysine, which is basic and polar, with asparagine, which is neutral and polar, at codon 821 of the TRPC6 protein (p.Lys821Asn).